The following is an entry in ClinVar:

ClinVar aggregate classification (germline): Pathogenic. Review status: criteria provided, single submitter (1 of 4 stars). 2 submissions from 1 submitter: Pathogenic (2). Last evaluated 2018-12-27.

Conditions:
Epilepsy, familial focal, with variable foci 1 (FFEVF1). Also called: DEPDC5-Related Epilepsy. Identifiers: MedGen C4551983, MONDO:0024556, OMIM 604364.
Familial focal epilepsy with variable foci (FPEVF). Identifiers: Orphanet 98820, MedGen C1858477, MONDO:0020310.

Submissions (2):

Labcorp Genetics (formerly Invitae), Labcorp
Classification: Pathogenic for Familial focal epilepsy with variable foci. Last evaluated: 2018-12-27. Review status: criteria provided, single submitter. Criteria: Invitae Variant Classification Sherloc (09022015). Collection method: clinical testing. Allele origin: germline.
Comment: This variant is an out-of-frame deletion of the genomic region encompassing exons 5-6 of the DEPDC5 gene. This is expected to create a premature translational stop signal and result in an absent or disrupted protein product. This variant has not been reported in the literature in individuals with DEPDC5-related conditions. Loss-of-function variants in DEPDC5 are known to be pathogenic (PMID: 23542697, 23542701). For these reasons, this variant has been classified as Pathogenic.

Labcorp Genetics (formerly Invitae), Labcorp
Classification: Pathogenic for Familial focal epilepsy with variable foci. Last evaluated: 2018-12-23. Review status: criteria provided, single submitter. Criteria: Invitae Variant Classification Sherloc (09022015). Collection method: clinical testing. Allele origin: germline.
Comment: For these reasons, this variant has been classified as Pathogenic. Loss-of-function variants in DEPDC5 are known to be pathogenic (PMID: 23542697, 23542701). This variant has not been reported in the literature in individuals with DEPDC5-related conditions. This variant is an out-of-frame deletion of the genomic region encompassing exons 5-6 of the DEPDC5 gene. This is expected to create a premature translational stop signal and result in an absent or disrupted protein product.

Literature cited by the submitters: PubMed 23542697; PubMed 23542701.

NC_000022.11:g.(?_31764955)_(31766688_?)del

Gene: DEPDC5 (DEP domain containing 5, GATOR1 subcomplex subunit; plus strand). Cytogenetic location: 22q12.2.
Variant type: Deletion.
Identifiers: ClinVar variation 653533 (VCV000653533.6).